The following is an entry in ClinVar:

NM_001349253.2(SCN11A):c.3393+5G>C

Gene: SCN11A (sodium voltage-gated channel alpha subunit 11; minus strand). Cytogenetic location: 3p22.2.
Variant type: single nucleotide variant.
Coding change: c.3393+5G>C on transcript NM_001349253.2 (MANE Select); 5 bases into the intron after coding-DNA position 3393, G replaced by C.
Molecular consequence: intron variant.
Genome position (GRCh38, 1-based): chr3:38,879,945, C>G on the plus strand (G>C on the coding strand, the complement: SCN11A is on the minus strand). VCF-style: chr3-38879945-C-G. GRCh37 (hg19) VCF-style: chr3-38921436-C-G.
Other names: c.3393+5G>C (NM_014139.3).
Identifiers: ClinVar variation 842565 (VCV000842565.6), dbSNP rs2065280357, ClinGen allele CA916082567.
Genomic context (GRCh38, chr3:38,879,945, plus strand): 5'-CTCCATATGATCCCTGCCTTAACCACTACCCCAGCCTGTGTGGGACACAGAGATGGTAAA[C>G]TTACAATCACAATGATGAAATCAAGGCAGCACCAGGCACTGGTGAAATACTTTCCAAATC-3'

ClinVar aggregate classification (germline): Uncertain significance (1 of 4 stars; one submission).

Conditions:
Hereditary sensory and autonomic neuropathy type 7. Also called: Neuropathy, hereditary sensory and autonomic, type VII; HSAN VII. Identifiers: Orphanet 391397, MedGen C3809882, MONDO:0014244, OMIM 615548.
Familial episodic pain syndrome with predominantly lower limb involvement. Also called: Episodic pain syndrome, familial, 3. Identifiers: Orphanet 391384, Orphanet 391392, MedGen C3809899, MONDO:0014247, OMIM 615552.

Submission:

Labcorp Genetics (formerly Invitae), Labcorp
Classification: Uncertain significance for Familial episodic pain syndrome with predominantly lower limb involvement; Hereditary sensory and autonomic neuropathy type 7. Last evaluated: 2019-11-20. Review status: criteria provided, single submitter. Criteria: Invitae Variant Classification Sherloc (09022015). Collection method: clinical testing. Allele origin: germline.
Comment: This sequence change falls in intron 19 of the SCN11A gene. It does not directly change the encoded amino acid sequence of the SCN11A protein, but it affects a nucleotide within the consensus splice site of the intron. This variant is not present in population databases (ExAC no frequency). In summary, the available evidence is currently insufficient to determine the role of this variant in disease. Therefore, it has been classified as a Variant of Uncertain Significance. Nucleotide substitutions within the consensus splice site are a relatively common cause of aberrant splicing (PMID: 17576681, 9536098). Algorithms developed to predict the effect of sequence changes on RNA splicing suggest that this variant may disrupt the consensus splice site, but this prediction has not been confirmed by published transcriptional studies. This variant has not been reported in the literature in individuals with SCN11A-related conditions.

Literature cited by the submitters: PubMed 17576681; PubMed 9536098.